The following is an entry in ClinVar:

NM_198123.2(CSMD3):c.7164C>T (p.His2388=)

Gene: CSMD3 (CUB and Sushi multiple domains 3; minus strand). Cytogenetic location: 8q23.3.
Variant type: single nucleotide variant.
Coding change: c.7164C>T on transcript NM_198123.2 (MANE Select); coding-DNA position 7164, C replaced by T.
Protein change: p.His2388=; no amino-acid change (histidine 2388 retained).
Molecular consequence: synonymous variant.
Genome position (GRCh38, 1-based): chr8:112,335,330, G>A on the plus strand (C>T on the coding strand, the complement: CSMD3 is on the minus strand). VCF-style: chr8-112335330-G-A. GRCh37 (hg19) VCF-style: chr8-113347559-G-A.
Other names: c.6564C>T, p.His2188= (NM_001363185.1); c.6852C>T, p.His2284= (NM_052900.3); c.7044C>T, p.His2348= (NM_198124.2).
Identifiers: ClinVar variation 3038996 (VCV003038996.4), dbSNP rs61754528, ClinGen allele CA4849375.
Genomic context (GRCh38, chr8:112,335,330, plus strand): 5'-TTTTTCCAGGACAAATTAAACAGTAGCAAATGAAATAGGAACTCTCAGATAATACCAACC[G>A]TGATAACTGAGCACAAAAAAGCCACTTGTTGTGAAATCACTGTGGAATTTGATTAGAATC-3'
Protein context (NP_937756.1, residues 2378-2398): TTSGFFVLSY[His2388=]AYQLRVCQPP

ClinVar aggregate classification (germline): Likely benign. Review status: criteria provided, single submitter (1 of 4 stars). 2 submissions from 2 submitters: Likely benign (1). 1 of the submissions does not count toward it. Last evaluated 2026-05-01.

Conditions:
CSMD3-related disorder. Also called: CSMD3-related condition.

Allele frequency attached by ClinVar (database versions not stated): ESP Exome Variant Server 0.00015; gnomAD 0.00034; TOPMed 0.00040; gnomAD exomes 0.00045; ExAC 0.00057.
gnomAD v4.1: 755 of 1,613,466 alleles (0.047%); highest among the groups gnomAD compares: Middle Eastern, 1.3%; 6 homozygotes.

Submissions (2):

CeGaT Center for Human Genetics Tuebingen
Classification: Likely benign. Last evaluated: 2026-05-01. Review status: criteria provided, single submitter. Criteria: CeGaT Center For Human Genetics Tuebingen Variant Classification Criteria Version 2. Collection method: clinical testing. Allele origin: germline. Affected: yes. Observed: 1 variant allele.
Comment: CSMD3: BS2

PreventionGenetics, part of Exact Sciences
Classification: Likely benign for CSMD3-related condition. Last evaluated: 2019-04-01. Review status: no assertion criteria provided. Collection method: clinical testing. Allele origin: germline. Not counted in ClinVar's aggregate classification.
Comment: This variant is classified as likely benign based on ACMG/AMP sequence variant interpretation guidelines (Richards et al. 2015 PMID: 25741868, with internal and published modifications).